The following is an entry in ClinVar:

ClinVar aggregate classification (germline): Uncertain significance (1 of 4 stars; one submission).

Conditions:
Fanconi anemia (FA). Also called: Fanconi's anemia. Identifiers: Orphanet 84, MedGen C0015625, MeSH D005199, MONDO:0019391.

Submission:

Labcorp Genetics (formerly Invitae), Labcorp
Classification: Uncertain significance for Fanconi anemia. Last evaluated: 2025-06-03. Review status: criteria provided, single submitter. Criteria: Invitae Variant Classification Sherloc (09022015). Collection method: clinical testing. Allele origin: germline.
Comment: This sequence change replaces glycine, which is neutral and non-polar, with valine, which is neutral and non-polar, at codon 675 of the SLX4 protein (p.Gly675Val). This variant is not present in population databases (gnomAD no frequency). This variant has not been reported in the literature in individuals affected with SLX4-related conditions. An algorithm developed to predict the effect of missense changes on protein structure and function (PolyPhen-2) suggests that this variant is likely to be disruptive. In summary, the available evidence is currently insufficient to determine the role of this variant in disease. Therefore, it has been classified as a Variant of Uncertain Significance.

NM_032444.4(SLX4):c.2024G>T (p.Gly675Val)

Gene: SLX4 (SLX4 structure-specific endonuclease subunit; minus strand). Cytogenetic location: 16p13.3.
Variant type: single nucleotide variant.
Coding change: c.2024G>T on transcript NM_032444.4 (MANE Select); coding-DNA position 2024, G replaced by T.
Protein change: p.Gly675Val; replaces glycine 675 with valine.
Molecular consequence: missense variant.
Genome position (GRCh38, 1-based): chr16:3,594,589, C>A on the plus strand (G>T on the coding strand, the complement: SLX4 is on the minus strand). VCF-style: chr16-3594589-C-A. GRCh37 (hg19) VCF-style: chr16-3644590-C-A.
Other names: short protein forms G675V.
Identifiers: ClinVar variation 4720175 (VCV004720175.1).